The following is an entry in ClinVar:

NM_017534.6(MYH2):c.3037C>A (p.Leu1013Met)

Genes: MYH2 (myosin heavy chain 2; minus strand), MYHAS (myosin heavy chain gene cluster antisense RNA; plus strand). Cytogenetic location: 17p13.1.
Variant type: single nucleotide variant.
Coding change: c.3037C>A on transcript NM_017534.6 (MANE Select); coding-DNA position 3037, C replaced by A.
Protein change: p.Leu1013Met; replaces leucine 1013 with methionine.
Molecular consequence: missense variant.
Genome position (GRCh38, 1-based): chr17:10,529,644, G>T on the plus strand (C>A on the coding strand, the complement: MYH2 is on the minus strand). VCF-style: chr17-10529644-G-T. GRCh37 (hg19) VCF-style: chr17-10432961-G-T.
Other names: c.3037C>A, p.Leu1013Met (NM_001100112.2); short protein forms L1013M.
Identifiers: ClinVar variation 3687639 (VCV003687639.2).

ClinVar aggregate classification (germline): Uncertain significance (1 of 4 stars; one submission).

Conditions:
Myopathy, proximal, and ophthalmoplegia (CMYO6). Also called: MYOPATHY WITH CONGENITAL JOINT CONTRACTURES, OPHTHALMOPLEGIA, AND RIMMED VACUOLES; INCLUSION BODY MYOPATHY 3, AUTOSOMAL DOMINANT; CONGENITAL MYOPATHY 6 WITH OPHTHALMOPLEGIA. Identifiers: Orphanet 363677, Orphanet 79091, MedGen C1854106, MONDO:0011577, OMIM 605637.

Submission:

Labcorp Genetics (formerly Invitae), Labcorp
Classification: Uncertain significance for Myopathy, proximal, and ophthalmoplegia. Last evaluated: 2024-09-27. Review status: criteria provided, single submitter. Criteria: Invitae Variant Classification Sherloc (09022015). Collection method: clinical testing. Allele origin: germline.
Comment: This sequence change replaces leucine, which is neutral and non-polar, with methionine, which is neutral and non-polar, at codon 1013 of the MYH2 protein (p.Leu1013Met). This variant is not present in population databases (gnomAD no frequency). This variant has not been reported in the literature in individuals affected with MYH2-related conditions. Invitae Evidence Modeling of protein sequence and biophysical properties (such as structural, functional, and spatial information, amino acid conservation, physicochemical variation, residue mobility, and thermodynamic stability) indicates that this missense variant is not expected to disrupt MYH2 protein function with a negative predictive value of 80%. In summary, the available evidence is currently insufficient to determine the role of this variant in disease. Therefore, it has been classified as a Variant of Uncertain Significance.